The following is an entry in ClinVar:

NM_000812.4(GABRB1):c.122T>C (p.Val41Ala)

Gene: GABRB1 (gamma-aminobutyric acid type A receptor subunit beta1; plus strand). Cytogenetic location: 4p12.
Variant type: single nucleotide variant.
Coding change: c.122T>C on transcript NM_000812.4 (MANE Select); coding-DNA position 122, T replaced by C.
Protein change: p.Val41Ala; replaces valine 41 with alanine.
Molecular consequence: missense variant.
Genome position (GRCh38, 1-based): chr4:47,031,955, T>C. VCF-style: chr4-47031955-T-C. GRCh37 (hg19) VCF-style: chr4-47033972-T-C.
Other names: short protein forms V41A.
Identifiers: ClinVar variation 2044860 (VCV002044860.4), dbSNP rs2475083735, ClinGen allele CA356805393.
Genomic context (GRCh38, chr4:47,031,955, plus strand): 5'-CCCTACTTCTTCCCCTTAGCACCAATGAACCCAGCAACATGTCATACGTGAAAGAGACAG[T>C]GGACAGATTGCTCAAAGGATATGACATTCGCTTGCGGCCGGACTTCGGAGGTAACGCTTC-3'
Protein context (NP_000803.2, residues 31-51): PSNMSYVKET[Val41Ala]DRLLKGYDIR

ClinVar aggregate classification (germline): Uncertain significance (1 of 4 stars; one submission).

Submission:

Labcorp Genetics (formerly Invitae), Labcorp
Classification: Uncertain significance. Last evaluated: 2021-12-17. Review status: criteria provided, single submitter. Criteria: Invitae Variant Classification Sherloc (09022015). Collection method: clinical testing. Allele origin: germline.
Comment: This sequence change replaces valine, which is neutral and non-polar, with alanine, which is neutral and non-polar, at codon 41 of the GABRB1 protein (p.Val41Ala). This variant is not present in population databases (gnomAD no frequency). This variant has not been reported in the literature in individuals affected with GABRB1-related conditions. Advanced modeling of protein sequence and biophysical properties (such as structural, functional, and spatial information, amino acid conservation, physicochemical variation, residue mobility, and thermodynamic stability) performed at Invitae indicates that this missense variant is expected to disrupt GABRB1 protein function. In summary, the available evidence is currently insufficient to determine the role of this variant in disease. Therefore, it has been classified as a Variant of Uncertain Significance.